The following is an entry in ClinVar:

NM_000059.4(BRCA2):c.7007+503A>G

Gene: BRCA2 (BRCA2 DNA repair associated; plus strand). Cytogenetic location: 13q13.1.
Variant type: single nucleotide variant.
Coding change: c.7007+503A>G on transcript NM_000059.4 (MANE Select); 503 bases into the intron after coding-DNA position 7007, A replaced by G.
Molecular consequence: intron variant.
Genome position (GRCh38, 1-based): chr13:32,347,399, A>G. VCF-style: chr13-32347399-A-G. GRCh37 (hg19) VCF-style: chr13-32921536-A-G.
Other names: IVS 13+503A>G.
Identifiers: ClinVar variation 209720 (VCV000209720.2), dbSNP rs11571684, ClinGen allele CA276688.
Genomic context (GRCh38, chr13:32,347,399, plus strand): 5'-GAGAAAGCTAAAACCTGACACTAGAGCAAACAGAGATGCTTTCCCCTAAAAAACCTGAAA[A>G]AGATTCAAATTGGCAGCAACAGGTACTTCTGAAGGTGAAGTAGAAAATAGGAAGATTAGT-3'

ClinVar aggregate classification (germline): Benign. Review status: reviewed by expert panel (3 of 4 stars). 2 submissions from 2 submitters: Benign (1). 1 of the submissions does not count toward it. Last evaluated 2015-01-12.

Conditions:
Breast-ovarian cancer, familial, susceptibility to, 2 (BROVCA2). Also called: BRCA2 Hereditary Breast and Ovarian Cancer. Identifiers: Orphanet 145, MedGen C2675520, MONDO:0012933, OMIM 612555. Disease mechanism: loss of function.

Allele frequency attached by ClinVar (database versions not stated): gnomAD 0.03693 and 0.04097; TOPMed 0.04226; 1000 Genomes Project 0.07388; 1000 Genomes Project 30x 0.07402.
gnomAD v4.1: 6,239 of 152,282 alleles (4.1%); highest among the groups gnomAD compares: South Asian, 11%; 217 homozygotes.

Submissions (2):

Evidence-based Network for the Interpretation of Germline Mutant Alleles (ENIGMA)
Classification: Benign for Breast-ovarian cancer, familial 2. Last evaluated: 2015-01-12. Review status: reviewed by expert panel. Criteria: ENIGMA BRCA1/2 Classification Criteria (2015). Collection method: curation. Allele origin: germline.
Comment: Class 1 not pathogenic based on frequency >1% in an outbred sampleset. Frequency 0.1049 (Asian), 0.01423 (African), 0.03694 (European), derived from 1000 genomes (2012-04-30).

Breakthrough Genomics
Classification: Benign. Review status: criteria provided, single submitter. Criteria: ACMG Guidelines, 2015. Collection method: not provided. Allele origin: germline. Inheritance: Autosomal recessive inheritance. Affected: yes. Not counted in ClinVar's aggregate classification.